The following is an entry in ClinVar:

ClinVar aggregate classification (germline): Likely benign (1 of 4 stars; one submission).

gnomAD v4.1: 311 of 1,585,402 alleles (0.02%); highest among the groups gnomAD compares: African/African-American, 0.24%; no homozygotes.

Submission:

CeGaT Center for Human Genetics Tuebingen
Classification: Likely benign. Last evaluated: 2025-12-01. Review status: criteria provided, single submitter. Criteria: CeGaT Center For Human Genetics Tuebingen Variant Classification Criteria Version 2. Collection method: clinical testing. Allele origin: germline. Affected: yes. Observed: 1 variant allele.
Comment: ABLIM2: BP4, BP7

NM_001130083.2(ABLIM2):c.678C>T (p.Ala226=)

Gene: ABLIM2 (actin binding LIM protein family member 2; minus strand). Cytogenetic location: 4p16.1.
Variant type: single nucleotide variant.
Coding change: c.678C>T on transcript NM_001130083.2 (MANE Select); coding-DNA position 678, C replaced by T.
Protein change: p.Ala226=; no amino-acid change (alanine 226 retained).
Molecular consequence: synonymous variant. On other transcripts: 5 prime UTR variant (1).
Genome position (GRCh38, 1-based): chr4:8,061,052, G>A on the plus strand (C>T on the coding strand, the complement: ABLIM2 is on the minus strand). VCF-style: chr4-8061052-G-A. GRCh37 (hg19) VCF-style: chr4-8062779-G-A.
Other names: c.678C>T, p.Ala226= (NM_001130084.2, NM_001130085.2, NM_001130086.2 and 3 more transcripts); c.-52C>T (NM_001286688.2).
Identifiers: ClinVar variation 4681369 (VCV004681369.5).